The following is an entry in ClinVar:

NM_025137.4(SPG11):c.1632A>G (p.Thr544=)

Gene: SPG11 (SPG11 vesicle trafficking associated, spatacsin; minus strand). Cytogenetic location: 15q21.1.
Variant type: single nucleotide variant.
Coding change: c.1632A>G on transcript NM_025137.4 (MANE Select); coding-DNA position 1632, A replaced by G.
Protein change: p.Thr544=; no amino-acid change (threonine 544 retained).
Molecular consequence: synonymous variant.
Genome position (GRCh38, 1-based): chr15:44,633,608, T>C on the plus strand (A>G on the coding strand, the complement: SPG11 is on the minus strand). VCF-style: chr15-44633608-T-C. GRCh37 (hg19) VCF-style: chr15-44925806-T-C.
Other names: c.1632A>G, p.Thr544= (NM_001160227.2).
Identifiers: ClinVar variation 1344076 (VCV001344076.8), dbSNP rs368683333, ClinGen allele CA270084405.

ClinVar aggregate classification (germline): Uncertain significance. Review status: criteria provided, multiple submitters, no conflicts (2 of 4 stars). 6 submissions from 4 submitters: Uncertain significance (6). Last evaluated 2022-12-30.

Conditions:
Hereditary spastic paraplegia 11. Also called: Spastic Paraplegia 11; Spastic paraplegia, mental retardation and thin corpus callosum; Nakamura Osame syndrome; Autosomal recessive hereditary spastic paraplegia, mental impairment, and thin corpus callosum; SPASTIC PARAPLEGIA, AUTOSOMAL RECESSIVE, COMPLICATED, WITH THIN CORPUS CALLOSUM; SPASTIC PARAPLEGIA, AUTOSOMAL RECESSIVE, WITH MENTAL IMPAIRMENT AND THIN CORPUS CALLOSUM. Identifiers: Orphanet 2822, MedGen C1858479, MONDO:0011445, OMIM 604360.
Charcot-Marie-Tooth disease axonal type 2X. Also called: CHARCOT-MARIE-TOOTH DISEASE, AXONAL, AUTOSOMAL RECESSIVE, TYPE 2X; CHARCOT-MARIE-TOOTH NEUROPATHY, TYPE 2X. Identifiers: Orphanet 466775, MedGen C5569024, MONDO:0014726, OMIM 616668.
Amyotrophic lateral sclerosis type 5 (ALS5). Also called: AMYOTROPHIC LATERAL SCLEROSIS 5, JUVENILE. Identifiers: Orphanet 300605, MedGen C1865864, MONDO:0011196, OMIM 602099.
Hereditary spastic paraplegia. Also called: Familial spastic paraparesis. Identifiers: Orphanet 685, MedGen C0037773, MONDO:0019064. Disease mechanism: loss of function.

Allele frequency attached by ClinVar (database versions not stated): gnomAD 0.00001; gnomAD exomes 0.00001; TOPMed 0.00001; ESP Exome Variant Server 0.00008.
gnomAD v4.1: 12 of 1,613,536 alleles (0.00074%); highest among the groups gnomAD compares: Middle Eastern, 0.066%; no homozygotes.

Submissions (6):

Blueprint Genetics
Classification: Uncertain significance. Last evaluated: 2022-12-30. Review status: criteria provided, single submitter. Criteria: ACMG Guidelines, 2015. Collection method: clinical testing. Allele origin: germline.

Labcorp Genetics (formerly Invitae), Labcorp
Classification: Uncertain significance for Hereditary spastic paraplegia 11. Last evaluated: 2021-08-03. Review status: criteria provided, single submitter. Criteria: Invitae Variant Classification Sherloc (09022015). Collection method: clinical testing. Allele origin: germline.
Comment: This sequence change affects codon 544 of the SPG11 mRNA. It is a 'silent' change, meaning that it does not change the encoded amino acid sequence of the SPG11 protein. This variant is not present in population databases (ExAC no frequency). This variant has not been reported in the literature in individuals affected with SPG11-related conditions. Algorithms developed to predict the effect of sequence changes on RNA splicing suggest that this variant may create or strengthen a splice site. In summary, the available evidence is currently insufficient to determine the role of this variant in disease. Therefore, it has been classified as a Variant of Uncertain Significance.

Genome Diagnostics Laboratory, The Hospital for Sick Children
Classification: Uncertain significance for Hereditary spastic paraplegia. Last evaluated: 2018-11-01. Review status: criteria provided, single submitter. Criteria: ACMG Guidelines, 2015. Collection method: clinical testing. Allele origin: germline. Affected: yes.

Genome-Nilou Lab
Classification: Uncertain significance for Amyotrophic lateral sclerosis type 5. Review status: criteria provided, single submitter. Criteria: ACMG Guidelines, 2015. Collection method: clinical testing. Allele origin: germline.

Genome-Nilou Lab
Classification: Uncertain significance for Charcot-Marie-Tooth disease axonal type 2X. Review status: criteria provided, single submitter. Criteria: ACMG Guidelines, 2015. Collection method: clinical testing. Allele origin: germline.

Genome-Nilou Lab
Classification: Uncertain significance for Hereditary spastic paraplegia 11. Review status: criteria provided, single submitter. Criteria: ACMG Guidelines, 2015. Collection method: clinical testing. Allele origin: germline.